The following is an entry in ClinVar:

ClinVar aggregate classification (germline): Likely pathogenic (1 of 4 stars; one submission).

Conditions:
Anemia, nonspherocytic hemolytic, due to G6PD deficiency (CNSHA1). Also called: Hemolytic anemia due to G6PD deficiency; Class I glucose-6-phosphate dehydrogenase deficiency; Favism, susceptibility to; ANEMIA, CONGENITAL, NONSPHEROCYTIC HEMOLYTIC, 1. Identifiers: Orphanet 466026, MedGen C2720289, MONDO:0010480, OMIM 300908.

Submission:

Dunham Lab, University of Washington
Classification: Likely pathogenic for Anemia, nonspherocytic hemolytic, due to G6PD deficiency. Last evaluated: 2022-08-12. Review status: criteria provided, single submitter. Criteria: Bayesian ACMG Guidelines, 2018. Collection method: curation. Allele origin: maternal. Affected: yes.
Comment: Variant found in hemizygotes with G6PD deficiency and CNSHA (PP4). Decreased activity in red blood cells (5-10%) (PS3). Not found in gnomAD (PM2). Post_P 0.975 (odds of pathogenicity 350.3, Prior_P 0.1).

Literature cited by the submitters: PubMed 8813094; PubMed 7803800.

NM_001360016.2(G6PD):c.910G>T (p.Val304Phe)

Gene: G6PD (glucose-6-phosphate dehydrogenase; minus strand). Cytogenetic location: Xq28.
Variant type: single nucleotide variant.
Coding change: c.910G>T on transcript NM_001360016.2 (MANE Select); coding-DNA position 910, G replaced by T.
Protein change: p.Val304Phe; replaces valine 304 with phenylalanine.
Molecular consequence: missense variant.
Genome position (GRCh38, 1-based): chrX:154,533,083, C>A on the plus strand (G>T on the coding strand, the complement: G6PD is on the minus strand). VCF-style: chrX-154533083-C-A. GRCh37 (hg19) VCF-style: chrX-153761298-C-A.
Other names: G6PD West Virginia; c.1000G>T, p.Val334Phe (NM_000402.4); c.910G>T, p.Val304Phe (NM_001042351.3); short protein forms V304F, V334F.
Identifiers: ClinVar variation 1722598 (VCV001722598.2), dbSNP rs2523264055, ClinGen allele CA415234787.